The following is an entry in ClinVar:

ClinVar aggregate classification (germline): Uncertain significance (1 of 4 stars; one submission).

Allele frequency attached by ClinVar (database versions not stated): ExAC 0.00001; gnomAD 0.00001; 1000 Genomes Project 30x 0.00016; 1000 Genomes Project 0.00020.

Submission:

Ambry Genetics
Classification: Uncertain significance. Last evaluated: 2022-04-04. Review status: criteria provided, single submitter. Criteria: Ambry Variant Classification Scheme 2023. Collection method: clinical testing. Allele origin: germline.
Comment: The p.D267N variant (also known as c.799G>A), located in coding exon 3 of the TERF2IP gene, results from a G to A substitution at nucleotide position 799. The aspartic acid at codon 267 is replaced by asparagine, an amino acid with highly similar properties. This amino acid position is conserved. In addition, this alteration is predicted to be tolerated by in silico analysis. Since supporting evidence is limited at this time, the clinical significance of this alteration remains unclear.

NM_018975.4(TERF2IP):c.799G>A (p.Asp267Asn)

Gene: TERF2IP (TERF2 interacting protein; plus strand). Cytogenetic location: 16q23.1.
Variant type: single nucleotide variant.
Coding change: c.799G>A on transcript NM_018975.4 (MANE Select); coding-DNA position 799, G replaced by A.
Protein change: p.Asp267Asn; replaces aspartic acid 267 with asparagine.
Molecular consequence: missense variant. On other transcripts: non-coding transcript variant (1).
Genome position (GRCh38, 1-based): chr16:75,656,210, G>A. VCF-style: chr16-75656210-G-A. GRCh37 (hg19) VCF-style: chr16-75690108-G-A.
Other names: short protein forms D267N.
Identifiers: ClinVar variation 1761547 (VCV001761547.2), dbSNP rs142007810, ClinGen allele CA8178105.